The following is an entry in ClinVar:

NM_000383.4(AIRE):c.1454A>T (p.Glu485Val)

Gene: AIRE (autoimmune regulator; plus strand). Cytogenetic location: 21q22.3.
Variant type: single nucleotide variant.
Coding change: c.1454A>T on transcript NM_000383.4 (MANE Select); coding-DNA position 1454, A replaced by T.
Protein change: p.Glu485Val; replaces glutamic acid 485 with valine.
Molecular consequence: missense variant.
Genome position (GRCh38, 1-based): chr21:44,294,454, A>T. VCF-style: chr21-44294454-A-T. GRCh37 (hg19) VCF-style: chr21-45714337-A-T.
Other names: c.1454A>T (NM_000383.2); short protein forms E485V.
Identifiers: ClinVar variation 574447 (VCV000574447.9), dbSNP rs779510704, ClinGen allele CA10052136.

ClinVar aggregate classification (germline): Uncertain significance. Review status: criteria provided, multiple submitters, no conflicts (2 of 4 stars). 3 submissions from 3 submitters: Uncertain significance (2). 1 of the submissions does not count toward it. Last evaluated 2026-01-27.

Conditions:
Inborn genetic diseases. Identifiers: MedGen C0950123, MeSH D030342.
Polyglandular autoimmune syndrome, type 1 (APS1). Also called: HYPOADRENOCORTICISM WITH HYPOPARATHYROIDISM AND SUPERFICIAL MONILIASIS; PGA I; Autoimmune polyendocrinopathy syndrome , type I, with or without reversible metaphyseal dysplasia; APS I; Autoimmune polyendocrine syndrome type 1; Autoimmune polyendocrinopathy syndrome, type I. Identifiers: Orphanet 3453, MedGen C0085859, MONDO:0009411, OMIM 240300.

Allele frequency attached by ClinVar (database versions not stated): gnomAD 0.00002 and 0.00003; ExAC 0.00003; gnomAD exomes 0.00004 and 0.00005; TOPMed 0.00004.
gnomAD v4.1: 67 of 1,566,714 alleles (0.0043%); highest among the groups gnomAD compares: Non-Finnish European, 0.0053%; no homozygotes.

Submissions (3):

Labcorp Genetics (formerly Invitae), Labcorp
Classification: Uncertain significance for Polyglandular autoimmune syndrome, type 1. Last evaluated: 2026-01-27. Review status: criteria provided, single submitter. Criteria: Invitae Variant Classification Sherloc (09022015). Collection method: clinical testing. Allele origin: germline.
Comment: This sequence change replaces glutamic acid, which is acidic and polar, with valine, which is neutral and non-polar, at codon 485 of the AIRE protein (p.Glu485Val). This variant is present in population databases (rs779510704, gnomAD 0.01%). This variant has not been reported in the literature in individuals affected with AIRE-related conditions. ClinVar contains an entry for this variant (Variation ID: 574447). Invitae Evidence Modeling of protein sequence and biophysical properties (such as structural, functional, and spatial information, amino acid conservation, physicochemical variation, residue mobility, and thermodynamic stability) indicates that this missense variant is not expected to disrupt AIRE protein function with a negative predictive value of 95%. In summary, the available evidence is currently insufficient to determine the role of this variant in disease. Therefore, it has been classified as a Variant of Uncertain Significance.

Ambry Genetics
Classification: Uncertain significance for Inborn genetic diseases. Last evaluated: 2024-10-29. Review status: criteria provided, single submitter. Criteria: Ambry Variant Classification Scheme 2023. Collection method: clinical testing. Allele origin: germline.

Natera, Inc.
Classification: Uncertain significance for Polyglandular autoimmune syndrome type 1. Last evaluated: 2019-10-28. Review status: no assertion criteria provided. Collection method: clinical testing. Allele origin: germline. Not counted in ClinVar's aggregate classification.